The following is an entry in ClinVar:

NM_000052.7(ATP7A):c.4292C>T (p.Pro1431Leu)

Gene: ATP7A (ATPase copper transporting alpha; plus strand). Cytogenetic location: Xq21.1.
Variant type: single nucleotide variant.
Coding change: c.4292C>T on transcript NM_000052.7 (MANE Select); coding-DNA position 4292, C replaced by T.
Protein change: p.Pro1431Leu; replaces proline 1431 with leucine.
Molecular consequence: missense variant. On other transcripts: non-coding transcript variant (1).
Genome position (GRCh38, 1-based): chrX:78,046,359, C>T. VCF-style: chrX-78046359-C-T. GRCh37 (hg19) VCF-style: chrX-77301856-C-T.
Other names: c.4058C>T, p.Pro1353Leu (NM_001282224.2); short protein forms P1353L, P1431L.
Identifiers: ClinVar variation 4789457 (VCV004789457.1).

ClinVar aggregate classification (germline): Uncertain significance (1 of 4 stars; one submission).

Conditions:
Menkes kinky-hair syndrome (MNK). Also called: Menkes Disease; Copper transport disease; Classic Menkes Disease. Identifiers: Orphanet 565, MedGen C0022716, MONDO:0010651, OMIM 309400.
Cutis laxa, X-linked (OHS). Also called: EDS IX; Occipital horn syndrome. Identifiers: Orphanet 198, MedGen C0268353, MONDO:0010572, OMIM 304150.
X-linked distal spinal muscular atrophy type 3. Also called: ATP7A-Related Distal Motor Neuropathy; SPINAL MUSCULAR ATROPHY, DISTAL, X-LINKED RECESSIVE; NEURONOPATHY, DISTAL HEREDITARY MOTOR, X-LINKED; NEUROPATHY, DISTAL HEREDITARY MOTOR, X-LINKED. Identifiers: Orphanet 139557, MedGen C1845359, MONDO:0010338, OMIM 300489.

Submission:

Labcorp Genetics (formerly Invitae), Labcorp
Classification: Uncertain significance for X-linked distal spinal muscular atrophy type 3; Cutis laxa, X-linked; Menkes kinky-hair syndrome. Last evaluated: 2025-06-29. Review status: criteria provided, single submitter. Criteria: Invitae Variant Classification Sherloc (09022015). Collection method: clinical testing. Allele origin: germline.
Comment: This sequence change replaces proline, which is neutral and non-polar, with leucine, which is neutral and non-polar, at codon 1431 of the ATP7A protein (p.Pro1431Leu). This variant is not present in population databases (gnomAD no frequency). This variant has not been reported in the literature in individuals affected with ATP7A-related conditions. Invitae Evidence Modeling of protein sequence and biophysical properties (such as structural, functional, and spatial information, amino acid conservation, physicochemical variation, residue mobility, and thermodynamic stability) indicates that this missense variant is not expected to disrupt ATP7A protein function with a negative predictive value of 95%. In summary, the available evidence is currently insufficient to determine the role of this variant in disease. Therefore, it has been classified as a Variant of Uncertain Significance.